The following is an entry in ClinVar:

ClinVar aggregate classification (germline): Uncertain significance. Review status: criteria provided, multiple submitters, no conflicts (2 of 4 stars). 3 submissions from 3 submitters: Uncertain significance (2). 1 of the submissions does not count toward it. Last evaluated 2026-01-19.

Conditions:
Juvenile polyposis syndrome (JPS). Identifiers: Orphanet 2929, MedGen C0345893, MONDO:0017380, OMIM 174900.
Hereditary cancer-predisposing syndrome. Also called: Neoplastic Syndromes, Hereditary; Hereditary neoplastic syndrome; Hereditary Cancer Syndrome; Tumor predisposition. Identifiers: Orphanet 140162, MedGen C0027672, MeSH D009386, MONDO:0015356.
Familial thoracic aortic aneurysm and aortic dissection (TAAD). Also called: Thoracic aortic aneurysms and dissections. Identifiers: Orphanet 91387, MedGen C4707243, MONDO:0019625.
Vascular dementia. Identifiers: MedGen C0011269, MeSH D015140, MONDO:0004648.

Allele frequency attached by ClinVar (database versions not stated): TOPMed below 0.00001.

Submissions (3):

Labcorp Genetics (formerly Invitae), Labcorp
Classification: Uncertain significance for Juvenile polyposis syndrome. Last evaluated: 2026-01-19. Review status: criteria provided, single submitter. Criteria: Invitae Variant Classification Sherloc (09022015). Collection method: clinical testing. Allele origin: germline.
Comment: This sequence change replaces valine, which is neutral and non-polar, with methionine, which is neutral and non-polar, at codon 354 of the SMAD4 protein (p.Val354Met). This variant is not present in population databases (gnomAD no frequency). This variant has not been reported in the literature in individuals affected with SMAD4-related conditions. ClinVar contains an entry for this variant (Variation ID: 943552). Invitae Evidence Modeling of protein sequence and biophysical properties (such as structural, functional, and spatial information, amino acid conservation, physicochemical variation, residue mobility, and thermodynamic stability) has been performed for this missense variant. However, the output from this modeling did not meet the statistical confidence thresholds required to predict the impact of this variant on SMAD4 protein function. In summary, the available evidence is currently insufficient to determine the role of this variant in disease. Therefore, it has been classified as a Variant of Uncertain Significance.

Ambry Genetics
Classification: Uncertain significance for Hereditary cancer-predisposing syndrome; Familial thoracic aortic aneurysm and aortic dissection. Last evaluated: 2024-06-27. Review status: criteria provided, single submitter. Criteria: Ambry Variant Classification Scheme 2023. Collection method: clinical testing. Allele origin: germline.
Comment: The p.V354M variant (also known as c.1060G>A), located in coding exon 8 of the SMAD4 gene, results from a G to A substitution at nucleotide position 1060. The valine at codon 354 is replaced by methionine, an amino acid with highly similar properties. This amino acid position is highly conserved in available vertebrate species. In addition, this alteration is predicted to be deleterious by in silico analysis. Based on the available evidence, the clinical significance of this variant remains unclear.

Myllykangas group, University of Helsinki
Classification: Uncertain significance for Vascular dementia. Last evaluated: 2021-10-01. Review status: no assertion criteria provided. Collection method: research. Allele origin: germline. Affected: yes. Not counted in ClinVar's aggregate classification.

Literature cited by the submitters: PubMed 35307828 (cited by Myllykangas group, University of Helsinki).

NM_005359.6(SMAD4):c.1060G>A (p.Val354Met)

Gene: SMAD4 (SMAD family member 4; plus strand). Cytogenetic location: 18q21.2.
Variant type: single nucleotide variant.
Coding change: c.1060G>A on transcript NM_005359.6 (MANE Select); coding-DNA position 1060, G replaced by A.
Protein change: p.Val354Met; replaces valine 354 with methionine.
Molecular consequence: missense variant.
Genome position (GRCh38, 1-based): chr18:51,065,527, G>A. VCF-style: chr18-51065527-G-A. GRCh37 (hg19) VCF-style: chr18-48591897-G-A.
Other names: short protein forms V354M.
Identifiers: ClinVar variation 943552 (VCV000943552.31), dbSNP rs1910123378, ClinGen allele CA402464301.
Genomic context (GRCh38, chr18:51,065,527, plus strand): 5'-CAGGTAGGAGAGACATTTAAGGTTCCTTCAAGCTGCCCTATTGTTACTGTTGATGGATAC[G>A]TGGACCCTTCTGGAGGAGATCGCTTTTGTTTGGGTCAACTCTCCAATGTCCACAGGACAG-3'
Protein context (NP_005350.1, residues 344-364): SCPIVTVDGY[Val354Met]DPSGGDRFCL